The following is an entry in ClinVar:

ClinVar aggregate classification (germline): Uncertain significance (1 of 4 stars; one submission).

Allele frequency attached by ClinVar (database versions not stated): ExAC 0.00001; gnomAD exomes 0.00001; TOPMed 0.00001.
gnomAD v4.1: 10 of 1,614,168 alleles (0.00062%); highest among the groups gnomAD compares: South Asian, 0.0011%; no homozygotes.

Submission:

Labcorp Genetics (formerly Invitae), Labcorp
Classification: Uncertain significance. Last evaluated: 2022-10-18. Review status: criteria provided, single submitter. Criteria: Invitae Variant Classification Sherloc (09022015). Collection method: clinical testing. Allele origin: germline.
Comment: This sequence change replaces alanine, which is neutral and non-polar, with valine, which is neutral and non-polar, at codon 230 of the TAOK2 protein (p.Ala230Val). This variant is present in population databases (rs781600192, gnomAD 0.003%). This variant has not been reported in the literature in individuals affected with TAOK2-related conditions. Algorithms developed to predict the effect of missense changes on protein structure and function are either unavailable or do not agree on the potential impact of this missense change (SIFT: "Deleterious"; PolyPhen-2: "Benign"; Align-GVGD: "Class C55"). In summary, the available evidence is currently insufficient to determine the role of this variant in disease. Therefore, it has been classified as a Variant of Uncertain Significance.

NM_016151.4(TAOK2):c.689C>T (p.Ala230Val)

Gene: TAOK2 (TAO kinase 2; plus strand). Cytogenetic location: 16p11.2.
Variant type: single nucleotide variant.
Coding change: c.689C>T on transcript NM_016151.4 (MANE Select); coding-DNA position 689, C replaced by T.
Protein change: p.Ala230Val; replaces alanine 230 with valine.
Molecular consequence: missense variant.
Genome position (GRCh38, 1-based): chr16:29,981,694, C>T. VCF-style: chr16-29981694-C-T. GRCh37 (hg19) VCF-style: chr16-29993015-C-T.
Other names: c.689C>T, p.Ala230Val (NM_001252043.2, NM_004783.4); short protein forms A230V.
Identifiers: ClinVar variation 1969809 (VCV001969809.5), dbSNP rs781600192, ClinGen allele CA7997912.
Genomic context (GRCh38, chr16:29,981,694, plus strand): 5'-CTTCTTCCCTTTCACCTTTTTCTGTAGCTGAACGGAAACCACCGCTCTTTAACATGAATG[C>T]GATGAGTGCCTTATACCACATTGCACAGAACGAATCCCCCGTGCTCCAGTCAGGACACTG-3'
Protein context (NP_057235.2, residues 220-240): ERKPPLFNMN[Ala230Val]MSALYHIAQN